The following is an entry in ClinVar:

ClinVar aggregate classification (germline): Uncertain significance (1 of 4 stars; one submission).

Conditions:
Developmental and epileptic encephalopathy 94 (DEE94). Also called: CHD2-Related Neurodevelopmental Disorders; Epileptic encephalopathy, childhood-onset. Identifiers: Orphanet 1942, Orphanet 2382, MedGen C3809278, MONDO:0014150, OMIM 615369.

Submission:

Labcorp Genetics (formerly Invitae), Labcorp
Classification: Uncertain significance for Developmental and epileptic encephalopathy 94. Last evaluated: 2020-01-23. Review status: criteria provided, single submitter. Criteria: Invitae Variant Classification Sherloc (09022015). Collection method: clinical testing. Allele origin: germline.
Comment: This sequence change falls in intron 27 of the CHD2 gene. It does not directly change the encoded amino acid sequence of the CHD2 protein, but it affects nucleotides within the consensus splice site of the intron. This variant is not present in population databases (ExAC no frequency). In summary, the available evidence is currently insufficient to determine the role of this variant in disease. Therefore, it has been classified as a Variant of Uncertain Significance. Nucleotide substitutions within the consensus splice site are a relatively common cause of aberrant splicing (PMID: 17576681, 9536098). Algorithms developed to predict the effect of sequence changes on RNA splicing suggest that this variant may disrupt the consensus splice site, but this prediction has not been confirmed by published transcriptional studies. This variant has not been reported in the literature in individuals with CHD2-related conditions.

Literature cited by the submitters: PubMed 17576681; PubMed 9536098.

NM_001271.4(CHD2):c.3455+4_3455+5del

Gene: CHD2 (chromodomain helicase DNA binding protein 2; plus strand). Cytogenetic location: 15q26.1.
Variant type: Deletion.
Coding change: c.3455+4_3455+5del on transcript NM_001271.4 (MANE Select); bases 4 to 5 of the intron after coding-DNA position 3455, 2 bases deleted (AG; older notation c.3455+4_3455+5delAG).
Molecular consequence: intron variant.
Genome position (GRCh38, 1-based): chr15:92,991,521-92,991,522, AG deleted. VCF-style (leftmost placement, unchanged base first): chr15-92991520-AAG-A. GRCh37 (hg19) VCF-style: chr15-93534750-AAG-A.
Identifiers: ClinVar variation 1007806 (VCV001007806.9), dbSNP rs2054119330, ClinGen allele CA2196379919.
Genomic context (GRCh38, chr15:92,991,520, plus strand): 5'-TTGATCCTATTCTTAGGTTCATCAAGGCTTATAAGAAGTTTGGTCTCCCTCTTGAACGGT[AAG>A]TTCAGTGTAATAGTCCCTTATCTTCCTCTTTTTTGCTTTTATTATATAGTACGTTCTTTT-3'